The following is an entry in ClinVar:

ClinVar aggregate classification (germline): Uncertain significance (1 of 4 stars; one submission).

Conditions:
Kabuki syndrome. Also called: NIIKAWA-KUROKI SYNDROME; Kabuki make-up syndrome. Identifiers: Orphanet 2322, MedGen C0796004, MONDO:0016512.

gnomAD v4.1: 1 of 1,613,816 alleles (0.000062%); no homozygotes.

Submission:

Labcorp Genetics (formerly Invitae), Labcorp
Classification: Uncertain significance for Kabuki syndrome. Last evaluated: 2025-12-23. Review status: criteria provided, single submitter. Criteria: Invitae Variant Classification Sherloc (09022015). Collection method: clinical testing. Allele origin: germline.
Comment: This sequence change falls in intron 24 of the KMT2D gene. It does not directly change the encoded amino acid sequence of the KMT2D protein. It affects a nucleotide within the consensus splice site. This variant is not present in population databases (gnomAD no frequency). This variant has not been reported in the literature in individuals affected with KMT2D-related conditions. ClinVar contains an entry for this variant (Variation ID: 3007323). Variants that disrupt the consensus splice site are a relatively common cause of aberrant splicing (PMID: 17576681, 9536098). Algorithms developed to predict the effect of sequence changes on RNA splicing suggest that this variant is not likely to affect RNA splicing. In summary, the available evidence is currently insufficient to determine the role of this variant in disease. Therefore, it has been classified as a Variant of Uncertain Significance.

Literature cited by the submitters: PubMed 17576681; PubMed 9536098.

NM_003482.4(KMT2D):c.5533+6G>T

Gene: KMT2D (lysine methyltransferase 2D; minus strand). Cytogenetic location: 12q13.12.
Variant type: single nucleotide variant.
Coding change: c.5533+6G>T on transcript NM_003482.4 (MANE Select); 6 bases into the intron after coding-DNA position 5533, G replaced by T.
Molecular consequence: intron variant.
Genome position (GRCh38, 1-based): chr12:49,043,357, C>A on the plus strand (G>T on the coding strand, the complement: KMT2D is on the minus strand). VCF-style: chr12-49043357-C-A. GRCh37 (hg19) VCF-style: chr12-49437140-C-A.
Identifiers: ClinVar variation 3007323 (VCV003007323.3), dbSNP rs747593413, ClinGen allele CA2618609889.
Genomic context (GRCh38, chr12:49,043,357, plus strand): 5'-GGGCACAGCAGAGGGACAGAGGCAAGCAAGGCCAAGACAGGACACAGTAACCCCGGCAGC[C>A]CTCACCTGGTGTATCGGCTTTGCCCTCGAGGCCACGGGATTCTTCATCTGCAATATCTGG-3'